The following is an entry in ClinVar:

NM_002354.3(EPCAM):c.67G>C (p.Ala23Pro)

Gene: EPCAM (epithelial cell adhesion molecule; plus strand). Cytogenetic location: 2p21.
Variant type: single nucleotide variant.
Coding change: c.67G>C on transcript NM_002354.3 (MANE Select); coding-DNA position 67, G replaced by C.
Protein change: p.Ala23Pro; replaces alanine 23 with proline.
Molecular consequence: missense variant.
Genome position (GRCh38, 1-based): chr2:47,369,572, G>C. VCF-style: chr2-47369572-G-C. GRCh37 (hg19) VCF-style: chr2-47596711-G-C.
Other names: short protein forms A23P.
Identifiers: ClinVar variation 4824840 (VCV004824840.1).
Genomic context (GRCh38, chr2:47,369,572, plus strand): 5'-CCCCCGCAGGTCCTCGCGTTCGGGCTTCTGCTTGCCGCGGCGACGGCGACTTTTGCCGCA[G>C]CTCAGGAAGGTGAGGCGCGGATTGGAGCAGAGTTGTGGAGCTGGGCTGGGCTGGGGGGCA-3'
Protein context (NP_002345.2, residues 13-33): LAAATATFAA[Ala23Pro]QEECVCENYK

ClinVar aggregate classification (germline): Uncertain significance (1 of 4 stars; one submission).

Conditions:
Hereditary cancer-predisposing syndrome. Also called: Neoplastic Syndromes, Hereditary; Hereditary neoplastic syndrome; Tumor predisposition; Hereditary Cancer Syndrome. Identifiers: Orphanet 140162, MedGen C0027672, MeSH D009386, MONDO:0015356.

Submission:

Ambry Genetics
Classification: Uncertain significance for Hereditary cancer-predisposing syndrome. Last evaluated: 2026-02-16. Review status: criteria provided, single submitter. Criteria: Ambry Variant Classification Scheme 2023. Collection method: clinical testing. Allele origin: germline.
Comment: The p.A23P variant (also known as c.67G>C), located in coding exon 1 of the EPCAM gene, results from a G to C substitution at nucleotide position 67. The alanine at codon 23 is replaced by proline, an amino acid with highly similar properties. This amino acid position is conserved. In addition, the in silico prediction for this alteration is inconclusive. Based on the available evidence, the clinical significance of this variant remains unclear.